The following is an entry in ClinVar:

ClinVar aggregate classification (germline): Pathogenic (1 of 4 stars; one submission).

Conditions:
Neurofibromatosis, type 2 (SWNV). Also called: BILATERAL ACOUSTIC NEUROFIBROMATOSIS; SCHWANNOMATOSIS, VESTIBULAR; NF2-Related Schwannomatosis. Identifiers: Orphanet 637, MedGen C0027832, MONDO:0007039, OMIM 101000. Disease mechanism: loss of function.

Submission:

Labcorp Genetics (formerly Invitae), Labcorp
Classification: Pathogenic for Neurofibromatosis, type 2. Last evaluated: 2024-10-25. Review status: criteria provided, single submitter. Criteria: Invitae Variant Classification Sherloc (09022015). Collection method: clinical testing. Allele origin: germline.
Comment: This sequence change creates a premature translational stop signal (p.Gln344Argfs*5) in the NF2 gene. It is expected to result in an absent or disrupted protein product. Loss-of-function variants in NF2 are known to be pathogenic (PMID: 9643284, 16983642). This variant is not present in population databases (gnomAD no frequency). This variant has not been reported in the literature in individuals affected with NF2-related conditions. For these reasons, this variant has been classified as Pathogenic.

Literature cited by the submitters: PubMed 9643284; PubMed 16983642.

NM_000268.4(NF2):c.1031_1036delinsG (p.Gln344fs)

Gene: NF2 (NF2, moesin-ezrin-radixin like (MERLIN) tumor suppressor; plus strand). Cytogenetic location: 22q12.2.
Variant type: Indel.
Coding change: c.1031_1036delinsG on transcript NM_000268.4 (MANE Select); coding-DNA positions 1031 to 1036, AGATGA replaced by G.
Protein change: p.Gln344fs; shifts the reading frame from glutamine 344.
Molecular consequence: frameshift variant. On other transcripts: intron variant (1).
Genome position (GRCh38, 1-based): chr22:29,671,857-29,671,862, AGATGA replaced by G. VCF-style: chr22-29671857-AGATGA-G. GRCh37 (hg19) VCF-style: chr22-30067846-AGATGA-G.
Other names: c.917_922delinsG, p.Gln306fs (NM_001407053.1, NM_001407056.1); c.908_913delinsG, p.Gln303fs (NM_001407054.1, NM_001407058.1, NM_181829.3); c.905_910delinsG, p.Gln302fs (NM_001407055.1, NM_181828.3); c.896_901delinsG, p.Gln299fs (NM_001407057.1, NM_001407059.1); c.1031_1036delinsG, p.Gln344fs (NM_001407060.1, NM_001407066.1, NM_016418.5 and 2 more transcripts); c.773_778delinsG, p.Gln258fs (NM_001407062.1); c.782_787delinsG, p.Gln261fs (NM_001407063.1, NM_001407064.1, NM_181830.3 and 1 more transcripts); c.497_502delinsG, p.Gln166fs (NM_001407065.1); and 2 more; short protein forms Q267fs, Q299fs, Q303fs, Q306fs, Q258fs, Q261fs, Q166fs, Q302fs.
Identifiers: ClinVar variation 3723791 (VCV003723791.2).